The following is an entry in ClinVar:

ClinVar aggregate classification (germline): Likely benign (1 of 4 stars; one submission).

Submission:

CeGaT Center for Human Genetics Tuebingen
Classification: Likely benign. Last evaluated: 2026-07-01. Review status: criteria provided, single submitter. Criteria: CeGaT Center For Human Genetics Tuebingen Variant Classification Criteria Version 2. Collection method: clinical testing. Allele origin: germline. Affected: yes. Observed: 1 variant allele.
Comment: TAF4: PM2:Supporting, BP4, BP7

NM_003185.4(TAF4):c.1200G>C (p.Leu400=)

Gene: TAF4 (TATA-box binding protein associated factor 4; minus strand). Cytogenetic location: 20q13.33.
Variant type: single nucleotide variant.
Coding change: c.1200G>C on transcript NM_003185.4 (MANE Select); coding-DNA position 1200, G replaced by C.
Protein change: p.Leu400=; no amino-acid change (leucine 400 retained).
Molecular consequence: synonymous variant.
Genome position (GRCh38, 1-based): chr20:62,064,611, C>G on the plus strand (G>C on the coding strand, the complement: TAF4 is on the minus strand). VCF-style: chr20-62064611-C-G. GRCh37 (hg19) VCF-style: chr20-60639667-C-G.
Identifiers: ClinVar variation 5040085 (VCV005040085.1).